The following is an entry in ClinVar:

NM_001171155.2(PET100):c.114+1G>A

Genes: PET100 (PET100 cytochrome c oxidase chaperone; plus strand), STXBP2 (syntaxin binding protein 2; plus strand). Cytogenetic location: 19p13.2.
Variant type: single nucleotide variant.
Coding change: c.114+1G>A on transcript NM_001171155.2 (MANE Select); the canonical splice donor site of the intron after coding-DNA position 114, G replaced by A.
Molecular consequence: splice donor variant.
Genome position (GRCh38, 1-based): chr19:7,630,660, G>A. VCF-style: chr19-7630660-G-A. GRCh37 (hg19) VCF-style: chr19-7695546-G-A.
Other names: c.-84+1G>A (NM_001414484.1).
Identifiers: ClinVar variation 2889283 (VCV002889283.4), dbSNP rs1172004393, ClinGen allele CA403153754.

ClinVar aggregate classification (germline): Likely pathogenic. Review status: criteria provided, multiple submitters, no conflicts (2 of 4 stars). 2 submissions from 2 submitters: Likely pathogenic (2). Last evaluated 2024-03-10.

Conditions:
Mitochondrial complex IV deficiency, nuclear type 12. Also called: Mitochondrial complex 4 deficiency, nuclear type 12. Identifiers: MedGen C5436695, MONDO:0033646, OMIM 619055.

gnomAD v4.1: 59 of 1,536,922 alleles (0.0038%); highest among the groups gnomAD compares: Non-Finnish European, 0.0051%; no homozygotes.

Submissions (2):

Fulgent Genetics
Classification: Likely pathogenic for Mitochondrial complex IV deficiency, nuclear type 12. Last evaluated: 2024-03-10. Review status: criteria provided, single submitter. Criteria: ACMG Guidelines, 2015. Collection method: clinical testing. Allele origin: germline.

Labcorp Genetics (formerly Invitae), Labcorp
Classification: Likely pathogenic. Last evaluated: 2024-03-02. Review status: criteria provided, single submitter. Criteria: Invitae Variant Classification Sherloc (09022015). Collection method: clinical testing. Allele origin: germline.
Comment: This sequence change affects a donor splice site in intron 2 of the PET100 gene. It is expected to disrupt RNA splicing. Variants that disrupt the donor or acceptor splice site typically lead to a loss of protein function (PMID: 16199547), and loss-of-function variants in PET100 are known to be pathogenic (PMID: 24462369, 25293719, 31406627). This variant is present in population databases (no rsID available, gnomAD 0.002%). This variant has not been reported in the literature in individuals affected with PET100-related conditions. Algorithms developed to predict the effect of sequence changes on RNA splicing suggest that this variant may disrupt the consensus splice site. In summary, the currently available evidence indicates that the variant is pathogenic, but additional data are needed to prove that conclusively. Therefore, this variant has been classified as Likely Pathogenic.

Literature cited by the submitters: PubMed 16199547 (cited by Labcorp Genetics (formerly Invitae), Labcorp); PubMed 24462369 (cited by Labcorp Genetics (formerly Invitae), Labcorp); PubMed 25293719 (cited by Labcorp Genetics (formerly Invitae), Labcorp); PubMed 31406627 (cited by Labcorp Genetics (formerly Invitae), Labcorp).